The following is an entry in ClinVar:

ClinVar aggregate classification (germline): Likely benign (1 of 4 stars; one submission).

Allele frequency attached by ClinVar (database versions not stated): gnomAD exomes 0.00001.
gnomAD v4.1: 11 of 1,610,818 alleles (0.00068%); highest among the groups gnomAD compares: Non-Finnish European, 0.00093%; no homozygotes.

Submission:

GeneDx
Classification: Likely benign. Last evaluated: 2017-09-21. Review status: criteria provided, single submitter. Criteria: GeneDx Variant Classification (06012015). Collection method: clinical testing. Allele origin: germline. Affected: yes.
Comment: This variant is considered likely benign or benign based on one or more of the following criteria: it is a conservative change, it occurs at a poorly conserved position in the protein, it is predicted to be benign by multiple in silico algorithms, and/or has population frequency not consistent with disease.

NM_015386.3(COG4):c.1828-10C>A

Gene: COG4 (component of oligomeric golgi complex 4; minus strand). Cytogenetic location: 16q22.1.
Variant type: single nucleotide variant.
Coding change: c.1828-10C>A on transcript NM_015386.3 (MANE Select); 10 bases into the intron before coding-DNA position 1828, C replaced by A.
Molecular consequence: intron variant.
Genome position (GRCh38, 1-based): chr16:70,482,831, G>T on the plus strand (C>A on the coding strand, the complement: COG4 is on the minus strand). VCF-style: chr16-70482831-G-T. GRCh37 (hg19) VCF-style: chr16-70516734-G-T.
Other names: c.1753-10C>A (NM_001195139.2); c.1402-10C>A (NM_001365426.1).
Identifiers: ClinVar variation 511934 (VCV000511934.1), dbSNP rs1555573396, ClinGen allele CA658798630.
Genomic context (GRCh38, chr16:70,482,831, plus strand): 5'-AGGCTGCACCTGTGGCTTGATGGCTGTGCTGTTGAGCTCCGTCAGCCCTTCCTGCACAAG[G>T]ACAAGGTGGAGACATGTGACACAGAAGGCACGACTCATCCCTTCCCTCTCTCTTCTCCCC-3'